The following is an entry in ClinVar:

ClinVar aggregate classification (germline): Uncertain significance (1 of 4 stars; one submission).

Conditions:
Cardiovascular phenotype. Identifiers: MedGen CN230736.
Hereditary cancer-predisposing syndrome. Also called: Neoplastic Syndromes, Hereditary; Tumor predisposition; Hereditary Cancer Syndrome; Hereditary neoplastic syndrome. Identifiers: Orphanet 140162, MedGen C0027672, MeSH D009386, MONDO:0015356.

Submission:

Ambry Genetics
Classification: Uncertain significance for Cardiovascular phenotype; Hereditary cancer-predisposing syndrome. Last evaluated: 2022-05-21. Review status: criteria provided, single submitter. Criteria: Ambry Variant Classification Scheme 2023. Collection method: clinical testing. Allele origin: germline.
Comment: The p.C2787F variant (also known as c.8360G>T), located in coding exon 57 of the NF1 gene, results from a G to T substitution at nucleotide position 8360. The cysteine at codon 2787 is replaced by phenylalanine, an amino acid with highly dissimilar properties. This amino acid position is conserved. In addition, this alteration is predicted to be tolerated by in silico analysis. Since supporting evidence is limited at this time, the clinical significance of this alteration remains unclear.

NM_001042492.3(NF1):c.8423G>T (p.Cys2808Phe)

Gene: NF1 (neurofibromin 1; plus strand). Cytogenetic location: 17q11.2.
Variant type: single nucleotide variant.
Coding change: c.8423G>T on transcript NM_001042492.3 (MANE Select); coding-DNA position 8423, G replaced by T.
Protein change: p.Cys2808Phe; replaces cysteine 2808 with phenylalanine.
Molecular consequence: missense variant.
Genome position (GRCh38, 1-based): chr17:31,374,058, G>T. VCF-style: chr17-31374058-G-T. GRCh37 (hg19) VCF-style: chr17-29701076-G-T.
Other names: c.8360G>T, p.Cys2787Phe (NM_000267.4); short protein forms C2808F, C2787F.
Identifiers: ClinVar variation 1763092 (VCV001763092.2), dbSNP rs148473245, ClinGen allele CA399205944.